The following is an entry in ClinVar:

ClinVar aggregate classification (germline): Likely benign. Review status: criteria provided, multiple submitters, no conflicts (2 of 4 stars). 3 submissions from 3 submitters: Likely benign (2). 1 of the submissions does not count toward it. Last evaluated 2026-07-01.

Conditions:
TTC21A-related disorder. Also called: TTC21A-related condition.

Allele frequency attached by ClinVar (database versions not stated): 1000 Genomes Project 30x 0.00047; 1000 Genomes Project 0.00060; TOPMed 0.00262; ESP Exome Variant Server 0.00424; ExAC 0.00431; gnomAD exomes 0.00463.
gnomAD v4.1: 7,285 of 1,614,076 alleles (0.45%); highest among the groups gnomAD compares: Non-Finnish European, 0.51%; 18 homozygotes.

Submissions (3):

CeGaT Center for Human Genetics Tuebingen
Classification: Likely benign. Last evaluated: 2026-07-01. Review status: criteria provided, single submitter. Criteria: CeGaT Center For Human Genetics Tuebingen Variant Classification Criteria Version 2. Collection method: clinical testing. Allele origin: germline. Affected: yes. Observed: 4 variant alleles.
Comment: TTC21A: BP4, BP7, BS2

Blueprint Genetics
Classification: Likely benign. Last evaluated: 2024-11-25. Review status: criteria provided, single submitter. Criteria: ACMG Guidelines, 2015. Collection method: clinical testing. Allele origin: germline.

PreventionGenetics, part of Exact Sciences
Classification: Benign for TTC21A-related condition. Last evaluated: 2019-11-13. Review status: no assertion criteria provided. Collection method: clinical testing. Allele origin: germline. Not counted in ClinVar's aggregate classification.
Comment: This variant is classified as benign based on ACMG/AMP sequence variant interpretation guidelines (Richards et al. 2015 PMID: 25741868, with internal and published modifications).

NM_001366900.1(TTC21A):c.1284C>T (p.His428=)

Gene: TTC21A (tetratricopeptide repeat domain 21A; plus strand). Cytogenetic location: 3p22.2.
Variant type: single nucleotide variant.
Coding change: c.1284C>T on transcript NM_001366900.1 (MANE Select); coding-DNA position 1284, C replaced by T.
Protein change: p.His428=; no amino-acid change (histidine 428 retained).
Molecular consequence: synonymous variant. On other transcripts: non-coding transcript variant (3).
Genome position (GRCh38, 1-based): chr3:39,125,424, C>T. VCF-style: chr3-39125424-C-T. GRCh37 (hg19) VCF-style: chr3-39166915-C-T.
Other names: c.1161C>T, p.His387= (NM_001105513.3); c.1308C>T, p.His436= (NM_001366899.1, NM_145755.3); c.1308C>T (NM_145755.2).
Identifiers: ClinVar variation 2653684 (VCV002653684.26), dbSNP rs143968783, ClinGen allele CA2324340.